The following is an entry in ClinVar:

ClinVar aggregate classification (germline): Uncertain significance (1 of 4 stars; one submission).

Conditions:
Autosomal dominant limb-girdle muscular dystrophy type 1F (LGMDD2). Also called: Limb-girdle muscular dystrophy, type 1F; MUSCULAR DYSTROPHY, LIMB-GIRDLE, AUTOSOMAL DOMINANT 2. Identifiers: Orphanet 55595, MedGen C1842062, MONDO:0012034, OMIM 608423.

Submission:

Labcorp Genetics (formerly Invitae), Labcorp
Classification: Uncertain significance for Autosomal dominant limb-girdle muscular dystrophy type 1F. Last evaluated: 2017-10-16. Review status: criteria provided, single submitter. Criteria: Invitae Variant Classification Sherloc (09022015). Collection method: clinical testing. Allele origin: germline.
Comment: In summary, the available evidence is currently insufficient to determine the role of this variant in disease. Therefore, it has been classified as a Variant of Uncertain Significance. Algorithms developed to predict the effect of missense changes on protein structure and function (SIFT, PolyPhen-2, Align-GVGD) all suggest that this variant is likely to be tolerated, but these predictions have not been confirmed by published functional studies and their clinical significance is uncertain. This variant has not been reported in the literature in individuals with TNPO3-related disease. This variant is not present in population databases (ExAC no frequency). This sequence change replaces leucine with phenylalanine at codon 10 of the TNPO3 protein (p.Leu10Phe). The leucine residue is moderately conserved and there is a small physicochemical difference between leucine and phenylalanine.

NM_012470.4(TNPO3):c.28C>T (p.Leu10Phe)

Genes: TNPO3 (transportin 3; minus strand), LOC129999289 (ATAC-STARR-seq lymphoblastoid active region 26616; plus strand). Cytogenetic location: 7q32.1.
Variant type: single nucleotide variant.
Coding change: c.28C>T on transcript NM_012470.4 (MANE Select); coding-DNA position 28, C replaced by T.
Protein change: p.Leu10Phe; replaces leucine 10 with phenylalanine.
Molecular consequence: missense variant. On other transcripts: non-coding transcript variant (18).
Genome position (GRCh38, 1-based): chr7:129,054,743, G>A on the plus strand (C>T on the coding strand, the complement: TNPO3 is on the minus strand). VCF-style: chr7-129054743-G-A. GRCh37 (hg19) VCF-style: chr7-128694797-G-A.
Other names: c.28C>T, p.Leu10Phe (NM_001191028.3, NM_001382216.1, NM_001382217.1 and 6 more transcripts); short protein forms L10F.
Identifiers: ClinVar variation 533438 (VCV000533438.9), dbSNP rs1554445896, ClinGen allele CA369229894.